The following is an entry in ClinVar:

NM_001357.5(DHX9):c.1458A>G (p.Ile486Met)

Gene: DHX9 (DExH-box helicase 9; plus strand). Cytogenetic location: 1q25.3.
Variant type: single nucleotide variant.
Coding change: c.1458A>G on transcript NM_001357.5 (MANE Select); coding-DNA position 1458, A replaced by G.
Protein change: p.Ile486Met; replaces isoleucine 486 with methionine.
Molecular consequence: missense variant. On other transcripts: non-coding transcript variant (1).
Genome position (GRCh38, 1-based): chr1:182,866,569, A>G. VCF-style: chr1-182866569-A-G. GRCh37 (hg19) VCF-style: chr1-182835704-A-G.
Other names: short protein forms I486M.
Identifiers: ClinVar variation 5003115 (VCV005003115.1).

ClinVar aggregate classification (germline): Uncertain significance (1 of 4 stars; one submission).

gnomAD v4.1: 3 of 1,614,014 alleles (0.00019%); highest among the groups gnomAD compares: Non-Finnish European, 0.000085%; no homozygotes.

Submission:

OLLIN Analises Genomicas, OLLIN
Classification: Uncertain significance. Last evaluated: 2026-08-06. Review status: criteria provided, single submitter. Criteria: ACMG Guidelines 2015 PMID 25741868. Collection method: clinical testing. Allele origin: germline.
Comment: This missense variant, located in exon 13 (of 28), has been observed in gnomAD with an allele frequency of 0.00019%, but has not been reported in ClinVar or identified in the literature. In silico analysis predicts that this variant has a tolerated effect. According to the currently available evidence, this variant has been classified as uncertain significance (BP4).